The following is an entry in ClinVar:

NM_000101.4(CYBA):c.269G>C (p.Arg90Pro)

Gene: CYBA (cytochrome b-245 alpha chain; minus strand). Cytogenetic location: 16q24.2.
Variant type: single nucleotide variant.
Coding change: c.269G>C on transcript NM_000101.4 (MANE Select); coding-DNA position 269, G replaced by C.
Protein change: p.Arg90Pro; replaces arginine 90 with proline.
Molecular consequence: missense variant.
Genome position (GRCh38, 1-based): chr16:88,646,773, C>G on the plus strand (G>C on the coding strand, the complement: CYBA is on the minus strand). VCF-style: chr16-88646773-C-G. GRCh37 (hg19) VCF-style: chr16-88713181-C-G.
Other names: short protein forms R90P.
Identifiers: ClinVar variation 3768887 (VCV003768887.2).
Genomic context (GRCh38, chr16:88,646,773, plus strand): 5'-AGCCCTCCTGAGCCCTAGAGGGGGTGCGGGACGGGGACTCACAGGAGATGCAGGACGGCC[C>G]GAACATAGTAATTCCTGGTAAAGGGCCCGAACAGCTTCACCACGGCGGTCATGTACTTCT-3'
Protein context (NP_000092.2, residues 80-100): FGPFTRNYYV[Arg90Pro]AVLHLLLSVP

ClinVar aggregate classification (germline): Likely pathogenic. Review status: criteria provided, multiple submitters, no conflicts (2 of 4 stars). 2 submissions from 2 submitters: Likely pathogenic (2). Last evaluated 2025-12-30.

Conditions:
Granulomatous disease, chronic, autosomal recessive, cytochrome b-negative. Also called: Chronic granulomatous disease, autosomal, due to deficiency of CYBA; CGD DUE TO DEFICIENCY OF THE ALPHA SUBUNIT OF CYTOCHROME b; CGD, AUTOSOMAL RECESSIVE CYTOCHROME b-NEGATIVE; CYBA DEFICIENCY; GRANULOMATOUS DISEASE, CHRONIC, AUTOSOMAL RECESSIVE, 4. Identifiers: Orphanet 379, MedGen C1856255, MONDO:0009308, OMIM 233690.
Chronic granulomatous disease. Identifiers: Orphanet 379, MedGen C0018203, MONDO:0018305.

gnomAD v4.1: 2 of 1,613,914 alleles (0.00012%); highest among the groups gnomAD compares: South Asian, 0.0022%; no homozygotes.

Submissions (2):

Myriad Genetics, Inc.
Classification: Likely pathogenic for Granulomatous disease, chronic, autosomal recessive, cytochrome b-negative. Last evaluated: 2025-12-30. Review status: criteria provided, single submitter. Criteria: Myriad Autosomal Dominant, Autosomal Recessive and X-Linked Classification Criteria (2023). Collection method: clinical testing. Allele origin: unknown.
Comment: NM_000101.3(CYBA):c.269G>C(R90P) is a missense variant classified as likely pathogenic in the context of chronic granulomatous disease, CYBA-related. R90P has been observed in cases with relevant disease (PMID: 34547651). Relevant functional assessments of this variant are not available in the literature. Internal structural analysis of the variant is supportive of pathogenicity. R90P has not been observed in referenced population frequency databases. In summary, NM_000101.3(CYBA):c.269G>C(R90P) is a missense variant that has internal structural support for pathogenicity and has been observed more frequently in cases with the relevant disease than in healthy populations. Please note: this variant was assessed in the context of healthy population screening.

Women's Health and Genetics/Laboratory Corporation of America, LabCorp
Classification: Likely pathogenic for Chronic granulomatous disease. Last evaluated: 2025-02-21. Review status: criteria provided, single submitter. Criteria: LabCorp Variant Classification Summary - May 2015. Collection method: clinical testing. Allele origin: germline.
Comment: Variant summary: CYBA c.269G>C (p.Arg90Pro) results in a non-conservative amino acid change in the encoded protein sequence. Five of five in-silico tools predict a damaging effect of the variant on protein function. The variant was absent in 251050 control chromosomes. c.269G>C has been reported in the literature in individuals affected with Chronic Granulomatous Disease (e.g. Roos_2021). Other variants affecting the same codon have been classified as pathogenic by our lab and/or others in ClinVar (c.268C>T, p.Arg90Trp; c.269G>A, p.Arg90Gln), supporting the critical relevance of codon 90 to CYBA protein function. To our knowledge, no experimental evidence demonstrating an impact on protein function has been reported. The following publications have been ascertained in the context of this evaluation (PMID: 20167518, 34547651, 31847883). No submitters have cited clinical-significance assessments for this variant to ClinVar. Based on the evidence outlined above, the variant was classified as likely pathogenic.

Literature cited by the submitters: PubMed 34547651 (cited by Myriad Genetics, Inc. and Women's Health and Genetics/Laboratory Corporation of America, LabCorp); PubMed 31847883 (cited by Women's Health and Genetics/Laboratory Corporation of America, LabCorp); PubMed 20167518 (cited by Women's Health and Genetics/Laboratory Corporation of America, LabCorp).